The following is an entry in ClinVar:

ClinVar aggregate classification (germline): Likely benign. Review status: reviewed by expert panel (3 of 4 stars). 4 submissions from 4 submitters: Likely benign (1). 3 of the submissions do not count toward it. Last evaluated 2024-06-24.

Conditions:
Hereditary thrombocytopenia and hematological cancer predisposition syndrome associated with RUNX1. Also called: Familial Platelet Disorder with Propensity to Acute Myelogenous Leukemia; Familial thrombocytopenia with propensity to acute myelogenous leukemia; PLATELET DISORDER, ASPIRIN-LIKE; RUNX1 Familial Platelet Disorder with Associated Myeloid Malignancies. Identifiers: Orphanet 71290, MedGen C1832388, MeSH C563324, MONDO:0100083, OMIM 601399.
Hereditary thrombocytopenia and hematologic cancer predisposition syndrome. Identifiers: Orphanet 71290, MedGen CN281654, MONDO:0011071.
Inborn genetic diseases. Identifiers: MedGen C0950123, MeSH D030342.

Allele frequency attached by ClinVar (database versions not stated): gnomAD exomes below 0.00001; TOPMed below 0.00001; ExAC 0.00001.
gnomAD v4.1: 2 of 1,614,002 alleles (0.00012%); highest among the groups gnomAD compares: Non-Finnish European, 0.000085%; no homozygotes.

Submissions (4):

ClinGen Myeloid Malignancy Variant Curation Expert Panel
Classification: Likely benign for Hereditary thrombocytopenia and hematologic cancer predisposition syndrome. Last evaluated: 2024-06-24. Review status: reviewed by expert panel. Criteria: ClinGen MyeloMalig ACMG Specifications v2. Collection method: curation. Allele origin: germline. Inheritance: Autosomal dominant inheritance.
Comment: This synonymous variant (no REVEL score applicable) has SpliceAI scores ≤0.20 (0.01) (BP4). Evolutionary conservation prediction algorithms predict the site as not being conserved (PhyloP score < 2.0 (0.522) (BP7). In summary, this variant meets criteria to be classified as likely benign. ACMG/AMP criteria applied, as specified by the Myeloid Malignancy Variant Curation Expert Panel for RUNX1: BP4, BP7.

Ambry Genetics
Classification: Likely benign for Inborn genetic diseases. Last evaluated: 2025-02-12. Review status: criteria provided, single submitter. Criteria: Ambry Variant Classification Scheme 2023. Collection method: clinical testing. Allele origin: germline. Not counted in ClinVar's aggregate classification.

Labcorp Genetics (formerly Invitae), Labcorp
Classification: Likely benign for Hereditary thrombocytopenia and hematological cancer predisposition syndrome associated with RUNX1. Last evaluated: 2022-06-13. Review status: criteria provided, single submitter. Criteria: Invitae Variant Classification Sherloc (09022015). Collection method: clinical testing. Allele origin: germline. Not counted in ClinVar's aggregate classification.

Breakthrough Genomics
Classification: Likely benign. Review status: criteria provided, single submitter. Criteria: ACMG Guidelines, 2015. Collection method: not provided. Allele origin: germline. Inheritance: Autosomal dominant inheritance. Affected: yes. Not counted in ClinVar's aggregate classification.

NM_001754.5(RUNX1):c.813G>A (p.Arg271=)

Gene: RUNX1 (RUNX family transcription factor 1; minus strand). Cytogenetic location: 21q22.12.
Variant type: single nucleotide variant.
Coding change: c.813G>A on transcript NM_001754.5 (MANE Select); coding-DNA position 813, G replaced by A.
Protein change: p.Arg271=; no amino-acid change (arginine 271 retained).
Molecular consequence: synonymous variant.
Genome position (GRCh38, 1-based): chr21:34,799,455, C>T on the plus strand (G>A on the coding strand, the complement: RUNX1 is on the minus strand). VCF-style: chr21-34799455-C-T. GRCh37 (hg19) VCF-style: chr21-36171752-C-T.
Other names: NM_001754.5(RUNX1):c.813G>A; p.Arg271=; c.732G>A, p.Arg244= (NM_001001890.3); c.813G>A (NM_001754.4).
Identifiers: ClinVar variation 1155123 (VCV001155123.12), dbSNP rs763723245, ClinGen allele CA10014289.